The following is an entry in ClinVar:

ClinVar aggregate classification (germline): Likely benign. Review status: criteria provided, multiple submitters, no conflicts (2 of 4 stars). 2 submissions from 2 submitters: Likely benign (2). Last evaluated 2026-01-01.

Allele frequency attached by ClinVar (database versions not stated): ExAC 0.00015; 1000 Genomes Project 30x 0.00016; gnomAD exomes 0.00019; 1000 Genomes Project 0.00020; TOPMed 0.00026; gnomAD 0.00029 and 0.00030; ESP Exome Variant Server 0.00031.
gnomAD v4.1: 688 of 1,614,148 alleles (0.043%); highest among the groups gnomAD compares: Non-Finnish European, 0.052%; no homozygotes.

Submissions (4):

Labcorp Genetics (formerly Invitae), Labcorp
Classification: Likely benign. Last evaluated: 2026-01-01. Review status: criteria provided, single submitter. Criteria: Invitae Variant Classification Sherloc (09022015). Collection method: clinical testing. Allele origin: germline.

CeGaT Center for Human Genetics Tuebingen
Classification: Likely benign. Last evaluated: 2025-10-01. Review status: criteria provided, single submitter. Criteria: CeGaT Center For Human Genetics Tuebingen Variant Classification Criteria Version 2. Collection method: clinical testing. Allele origin: germline. Affected: yes. Observed: 4 variant alleles.
Comment: TCF20: BP4, BP7

Dr. Peter K. Rogan Lab, Western University
No classification provided (evidence only). Condition: Thyroid cancer, nonmedullary, 1. Review status: no classification provided. Collection method: in vitro. Allele origin: not applicable. Functional consequence: retained intron. Not counted in ClinVar's aggregate classification.

Dr. Peter K. Rogan Lab, Western University
No classification provided (evidence only). Condition: Sarcoma. Review status: no classification provided. Collection method: in vitro. Allele origin: not applicable. Functional consequence: retained intron. Not counted in ClinVar's aggregate classification.

NM_001378418.1(TCF20):c.213C>T (p.Ser71=)

Gene: TCF20 (transcription factor 20; minus strand). Cytogenetic location: 22q13.2.
Variant type: single nucleotide variant.
Coding change: c.213C>T on transcript NM_001378418.1 (MANE Select); coding-DNA position 213, C replaced by T.
Protein change: p.Ser71=; no amino-acid change (serine 71 retained).
Molecular consequence: synonymous variant.
Genome position (GRCh38, 1-based): chr22:42,215,093, G>A on the plus strand (C>T on the coding strand, the complement: TCF20 is on the minus strand). VCF-style: chr22-42215093-G-A. GRCh37 (hg19) VCF-style: chr22-42611099-G-A.
Other names: c.213C>T, p.Ser71= (NM_005650.4, NM_181492.3).
Identifiers: ClinVar variation 740093 (VCV000740093.41), dbSNP rs149479605, ClinGen allele CA10267409.